The following is an entry in ClinVar:

NM_001042492.3(NF1):c.1462del (p.Ser488fs)

Gene: NF1 (neurofibromin 1; plus strand). Cytogenetic location: 17q11.2.
Variant type: Deletion.
Coding change: c.1462del on transcript NM_001042492.3 (MANE Select); coding-DNA position 1462, one base deleted (A; older notation c.1462delA).
Protein change: p.Ser488fs; shifts the reading frame from serine 488.
Molecular consequence: frameshift variant.
Genome position (GRCh38, 1-based): chr17:31,214,520, A deleted; the last of 2 consecutive A bases (chr17:31,214,519-31,214,520); deleting either gives the same sequence. VCF-style (leftmost placement, unchanged base first): chr17-31214518-GA-G. GRCh37 (hg19) VCF-style: chr17-29541536-GA-G.
Other names: c.1462del, p.Ser488fs (NM_001128147.3); c.1462delA, p.Ser488Alafs (NM_000267.4, NM_001042492.2); short protein forms S488fs.
Identifiers: ClinVar variation 431585 (VCV000431585.2), dbSNP rs1135402810, ClinGen allele CA645373087.

ClinVar aggregate classification (germline): Pathogenic. Review status: criteria provided, single submitter (1 of 4 stars). 2 submissions from 2 submitters: Pathogenic (1). 1 of the submissions does not count toward it. Last evaluated 2026-01-13.

Conditions:
Neurofibromatosis, type 1 (NF1). Also called: Neurofibromatosis, type I; NEUROFIBROMATOSIS, TYPE I, SOMATIC; Peripheral type neurofibromatosis; VON RECKLINGHAUSEN DISEASE. Identifiers: Orphanet 636, MedGen C0027831, MONDO:0018975, OMIM 162200. Disease mechanism: loss of function.

Submissions (2):

Labcorp Genetics (formerly Invitae), Labcorp
Classification: Pathogenic for Neurofibromatosis, type 1. Last evaluated: 2026-01-13. Review status: criteria provided, single submitter. Criteria: Invitae Variant Classification Sherloc (09022015). Collection method: clinical testing. Allele origin: germline.
Comment: This sequence change creates a premature translational stop signal (p.Ser488Alafs*10) in the NF1 gene. It is expected to result in an absent or disrupted protein product. Loss-of-function variants in NF1 are known to be pathogenic (PMID: 10712197, 23913538). This variant is not present in population databases (gnomAD no frequency). This premature translational stop signal has been observed in individual(s) with neurofibromatosis type 1 (PMID: 28961165). ClinVar contains an entry for this variant (Variation ID: 431585). For these reasons, this variant has been classified as Pathogenic.

Medical Genetics, University of Parma
Classification: Pathogenic for Neurofibromatosis type 1. Last evaluated: 2017-02-02. Review status: no assertion criteria provided. Collection method: clinical testing. Allele origin: germline. Affected: yes. Not counted in ClinVar's aggregate classification.

Literature cited by the submitters: PubMed 10712197 (cited by Labcorp Genetics (formerly Invitae), Labcorp); PubMed 23913538 (cited by Labcorp Genetics (formerly Invitae), Labcorp); PubMed 28961165 (cited by Labcorp Genetics (formerly Invitae), Labcorp).